The following is an entry in ClinVar:

NM_001042492.3(NF1):c.6704+2T>A

Gene: NF1 (neurofibromin 1; plus strand). Cytogenetic location: 17q11.2.
Variant type: single nucleotide variant.
Coding change: c.6704+2T>A on transcript NM_001042492.3 (MANE Select); the canonical splice donor site of the intron after coding-DNA position 6704, T replaced by A.
Molecular consequence: splice donor variant.
Genome position (GRCh38, 1-based): chr17:31,337,882, T>A. VCF-style: chr17-31337882-T-A. GRCh37 (hg19) VCF-style: chr17-29664900-T-A.
Other names: c.6641+2T>A (NM_000267.4).
Identifiers: ClinVar variation 2736571 (VCV002736571.3), dbSNP rs1555534928, ClinGen allele CA399013966.

ClinVar aggregate classification (germline): Pathogenic (1 of 4 stars; one submission).

Conditions:
Neurofibromatosis, type 1 (NF1). Also called: Neurofibromatosis, type I; Peripheral type neurofibromatosis; VON RECKLINGHAUSEN DISEASE; NEUROFIBROMATOSIS, TYPE I, SOMATIC. Identifiers: Orphanet 636, MedGen C0027831, MONDO:0018975, OMIM 162200. Disease mechanism: loss of function.

Submission:

Labcorp Genetics (formerly Invitae), Labcorp
Classification: Pathogenic for Neurofibromatosis, type 1. Last evaluated: 2023-03-04. Review status: criteria provided, single submitter. Criteria: Invitae Variant Classification Sherloc (09022015). Collection method: clinical testing. Allele origin: germline.
Comment: This sequence change affects a donor splice site in intron 43 of the NF1 gene. It is expected to disrupt RNA splicing. Variants that disrupt the donor or acceptor splice site typically lead to a loss of protein function (PMID: 16199547), and loss-of-function variants in NF1 are known to be pathogenic (PMID: 10712197, 23913538). This variant is not present in population databases (gnomAD no frequency). Disruption of this splice site has been observed in individual(s) with clinical features of neurofibromatosis, type 1 (PMID: 12807981; Invitae). This variant is also known as IVS35+2T>A. Algorithms developed to predict the effect of sequence changes on RNA splicing suggest that this variant may disrupt the consensus splice site. For these reasons, this variant has been classified as Pathogenic.

Literature cited by the submitters: PubMed 16199547; PubMed 10712197; PubMed 23913538; PubMed 12807981.